The following is an entry in ClinVar:

NM_019066.5(MAGEL2):c.1757T>C (p.Ile586Thr)

Gene: MAGEL2 (MAGE family member L2; minus strand). Cytogenetic location: 15q11.2.
Variant type: single nucleotide variant.
Coding change: c.1757T>C on transcript NM_019066.5 (MANE Select); coding-DNA position 1757, T replaced by C.
Protein change: p.Ile586Thr; replaces isoleucine 586 with threonine.
Molecular consequence: missense variant.
Genome position (GRCh38, 1-based): chr15:23,645,986, A>G on the plus strand (T>C on the coding strand, the complement: MAGEL2 is on the minus strand). VCF-style: chr15-23645986-A-G. GRCh37 (hg19) VCF-style: chr15-23891133-A-G.
Other names: short protein forms I586T.
Identifiers: ClinVar variation 4795497 (VCV004795497.1).

ClinVar aggregate classification (germline): Uncertain significance (1 of 4 stars; one submission).

Submission:

GeneDx
Classification: Uncertain significance. Last evaluated: 2025-08-12. Review status: criteria provided, single submitter. Criteria: GeneDx Variant Classification Process June 2021. Collection method: clinical testing. Allele origin: germline. Affected: yes.
Comment: Not observed at significant frequency in large population cohorts (gnomAD); In silico analysis supports that this missense variant has a deleterious effect on protein structure/function; Has not been previously published as pathogenic or benign to our knowledge